The following is an entry in ClinVar:

NM_018946.4(NANS):c.1073A>G (p.Lys358Arg)

Genes: NANS (N-acetylneuraminate synthase; plus strand), TRIM14 (tripartite motif containing 14; minus strand). Cytogenetic location: 9q22.33.
Variant type: single nucleotide variant.
Coding change: c.1073A>G on transcript NM_018946.4 (MANE Select); coding-DNA position 1073, A replaced by G.
Protein change: p.Lys358Arg; replaces lysine 358 with arginine.
Molecular consequence: missense variant.
Genome position (GRCh38, 1-based): chr9:98,083,048, A>G. VCF-style: chr9-98083048-A-G. GRCh37 (hg19) VCF-style: chr9-100845330-A-G.
Other names: c.1073A>G (NM_018946.3); short protein forms K358R.
Identifiers: ClinVar variation 1367189 (VCV001367189.7), dbSNP rs749586428, ClinGen allele CA5150463.

ClinVar aggregate classification (germline): Uncertain significance. Review status: criteria provided, multiple submitters, no conflicts (2 of 4 stars). 2 submissions from 2 submitters: Uncertain significance (2). Last evaluated 2023-10-03.

Conditions:
Inborn genetic diseases. Identifiers: MedGen C0950123, MeSH D030342.

Allele frequency attached by ClinVar (database versions not stated): TOPMed below 0.00001; gnomAD exomes 0.00001 and 0.00002; ExAC 0.00002.
gnomAD v4.1: 28 of 1,614,100 alleles (0.0017%); highest among the groups gnomAD compares: Non-Finnish European, 0.0024%; no homozygotes.

Submissions (2):

Ambry Genetics
Classification: Uncertain significance for Inborn genetic diseases. Last evaluated: 2023-10-03. Review status: criteria provided, single submitter. Criteria: Ambry Variant Classification Scheme 2023. Collection method: clinical testing. Allele origin: germline.

Labcorp Genetics (formerly Invitae), Labcorp
Classification: Uncertain significance. Last evaluated: 2022-07-12. Review status: criteria provided, single submitter. Criteria: Invitae Variant Classification Sherloc (09022015). Collection method: clinical testing. Allele origin: germline.
Comment: In summary, the available evidence is currently insufficient to determine the role of this variant in disease. Therefore, it has been classified as a Variant of Uncertain Significance. Algorithms developed to predict the effect of missense changes on protein structure and function output the following: SIFT: "Tolerated"; PolyPhen-2: "Benign"; Align-GVGD: "Class C0". The arginine amino acid residue is found in multiple mammalian species, which suggests that this missense change does not adversely affect protein function. ClinVar contains an entry for this variant (Variation ID: 1367189). This variant has not been reported in the literature in individuals affected with NANS-related conditions. This variant is present in population databases (rs749586428, gnomAD 0.002%). This sequence change replaces lysine, which is basic and polar, with arginine, which is basic and polar, at codon 358 of the NANS protein (p.Lys358Arg).